The following is an entry in ClinVar:

ClinVar aggregate classification (germline): Pathogenic (1 of 4 stars; one submission).

Submission:

Labcorp Genetics (formerly Invitae), Labcorp
Classification: Pathogenic. Last evaluated: 2022-10-03. Review status: criteria provided, single submitter. Criteria: Invitae Variant Classification Sherloc (09022015). Collection method: clinical testing. Allele origin: germline.
Comment: For these reasons, this variant has been classified as Pathogenic. This variant has not been reported in the literature in individuals affected with RARS2-related conditions. This variant is not present in population databases (gnomAD no frequency). This sequence change creates a premature translational stop signal (p.Lys217*) in the RARS2 gene. It is expected to result in an absent or disrupted protein product. Loss-of-function variants in RARS2 are known to be pathogenic (PMID: 17847012, 22569581, 26083569).

Literature cited by the submitters: PubMed 17847012; PubMed 22569581; PubMed 26083569.

NM_020320.5(RARS2):c.649A>T (p.Lys217Ter)

Gene: RARS2 (arginyl-tRNA synthetase 2, mitochondrial; minus strand). Cytogenetic location: 6q15.
Variant type: single nucleotide variant.
Coding change: c.649A>T on transcript NM_020320.5 (MANE Select); coding-DNA position 649, A replaced by T.
Protein change: p.Lys217Ter; replaces lysine 217 with a stop codon.
Molecular consequence: nonsense. On other transcripts: non-coding transcript variant (23).
Genome position (GRCh38, 1-based): chr6:87,530,906, T>A on the plus strand (A>T on the coding strand, the complement: RARS2 is on the minus strand). VCF-style: chr6-87530906-T-A. GRCh37 (hg19) VCF-style: chr6-88240624-T-A.
Other names: c.124A>T, p.Lys42Ter (NM_001318785.2, NM_001350506.2, NM_001350507.2 and 4 more transcripts); c.649A>T, p.Lys217Ter (NM_001350505.2); short protein forms K217*, K42*.
Identifiers: ClinVar variation 2033793 (VCV002033793.4), dbSNP rs774513748, ClinGen allele CA364929729.